The following is an entry in ClinVar:

ClinVar aggregate classification (germline): Pathogenic (1 of 4 stars; one submission).

Conditions:
Charcot-Marie-Tooth disease type 4. Also called: Charcot-Marie-Tooth disease, type IV; Charcot-Marie-Tooth, Type 4. Identifiers: Orphanet 64749, MedGen C4082197, MONDO:0018995.

Submission:

Labcorp Genetics (formerly Invitae), Labcorp
Classification: Pathogenic for Charcot-Marie-Tooth disease type 4. Last evaluated: 2022-07-12. Review status: criteria provided, single submitter. Criteria: Invitae Variant Classification Sherloc (09022015). Collection method: clinical testing. Allele origin: germline.
Comment: For these reasons, this variant has been classified as Pathogenic. This variant has not been reported in the literature in individuals affected with SH3TC2-related conditions. This variant is a gross deletion of the genomic region encompassing exon(s) 7 of the SH3TC2 gene. This deletion is out-of-frame, and is expected to create a premature termination codon and result in an absent or disrupted protein product. Loss-of-function variants in SH3TC2 are known to be pathogenic (PMID: 20220177, 27068304).

Literature cited by the submitters: PubMed 20220177; PubMed 27068304.

NC_000005.9:g.(?_148420147)_(148420260_?)del

Gene: SH3TC2 (SH3 domain and tetratricopeptide repeats 2; minus strand). Cytogenetic location: 5q32.
Variant type: Deletion.
Identifiers: ClinVar variation 1426548 (VCV001426548.5).